The following is an entry in ClinVar:

NM_001365999.1(SZT2):c.7280_7281del (p.Pro2427fs)

Gene: SZT2 (SZT2 subunit of KICSTOR complex; plus strand). Cytogenetic location: 1p34.2.
Variant type: Deletion.
Coding change: c.7280_7281del on transcript NM_001365999.1 (MANE Select); coding-DNA positions 7280 to 7281, 2 bases deleted (CT; older notation c.7280_7281delCT).
Protein change: p.Pro2427fs; shifts the reading frame from proline 2427.
Molecular consequence: frameshift variant.
Genome position (GRCh38, 1-based): chr1:43,440,522-43,440,523, CT deleted. VCF-style (leftmost placement, unchanged base first): chr1-43440521-CCT-C. GRCh37 (hg19) VCF-style: chr1-43906192-CCT-C.
Other names: c.7109_7110del, p.Pro2370fs (NM_015284.4); short protein forms P2427fs, P2370fs.
Identifiers: ClinVar variation 1382600 (VCV001382600.6), dbSNP rs2153935570, ClinGen allele CA2573132381.

ClinVar aggregate classification (germline): Pathogenic (1 of 4 stars; one submission).

Submission:

Labcorp Genetics (formerly Invitae), Labcorp
Classification: Pathogenic. Last evaluated: 2023-07-07. Review status: criteria provided, single submitter. Criteria: Invitae Variant Classification Sherloc (09022015). Collection method: clinical testing. Allele origin: germline.
Comment: This sequence change creates a premature translational stop signal (p.Pro2370Argfs*16) in the SZT2 gene. It is expected to result in an absent or disrupted protein product. Loss-of-function variants in SZT2 are known to be pathogenic (PMID: 23932106, 27248490, 28556953). This variant is not present in population databases (gnomAD no frequency). This variant has not been reported in the literature in individuals affected with SZT2-related conditions. ClinVar contains an entry for this variant (Variation ID: 1382600). For these reasons, this variant has been classified as Pathogenic.

Literature cited by the submitters: PubMed 23932106; PubMed 27248490; PubMed 28556953.